The following is an entry in ClinVar:

ClinVar aggregate classification (germline): Uncertain significance. Review status: criteria provided, multiple submitters, no conflicts (2 of 4 stars). 2 submissions from 2 submitters: Uncertain significance (2). Last evaluated 2024-08-29.

Conditions:
Familial thoracic aortic aneurysm and aortic dissection (TAAD). Also called: Thoracic aortic aneurysms and dissections. Identifiers: Orphanet 91387, MedGen C4707243, MONDO:0019625.

Allele frequency attached by ClinVar (database versions not stated): TOPMed 0.00001.

Submissions (2):

GeneDx
Classification: Uncertain significance. Last evaluated: 2024-08-29. Review status: criteria provided, single submitter. Criteria: GeneDx Variant Classification Process June 2021. Collection method: clinical testing. Allele origin: germline. Affected: yes.
Comment: Not observed at significant frequency in large population cohorts (gnomAD); In silico analysis indicates that this missense variant does not alter protein structure/function; Has not been previously published as pathogenic or benign to our knowledge

Ambry Genetics
Classification: Uncertain significance for Familial thoracic aortic aneurysm and aortic dissection. Last evaluated: 2021-12-13. Review status: criteria provided, single submitter. Criteria: Ambry Variant Classification Scheme 2023. Collection method: clinical testing. Allele origin: germline.
Comment: The p.S2193N variant (also known as c.6578G>A), located in coding exon 34 of the NOTCH1 gene, results from a G to A substitution at nucleotide position 6578. The serine at codon 2193 is replaced by asparagine, an amino acid with highly similar properties. This amino acid position is conserved. In addition, this alteration is predicted to be tolerated by in silico analysis. Since supporting evidence is limited at this time, the clinical significance of this alteration remains unclear.

NM_017617.5(NOTCH1):c.6578G>A (p.Ser2193Asn)

Gene: NOTCH1 (notch receptor 1; minus strand). Cytogenetic location: 9q34.3.
Variant type: single nucleotide variant.
Coding change: c.6578G>A on transcript NM_017617.5 (MANE Select); coding-DNA position 6578, G replaced by A.
Protein change: p.Ser2193Asn; replaces serine 2193 with asparagine.
Molecular consequence: missense variant.
Genome position (GRCh38, 1-based): chr9:136,497,161, C>T on the plus strand (G>A on the coding strand, the complement: NOTCH1 is on the minus strand). VCF-style: chr9-136497161-C-T. GRCh37 (hg19) VCF-style: chr9-139391613-C-T.
Other names: short protein forms S2193N.
Identifiers: ClinVar variation 1754264 (VCV001754264.3), dbSNP rs1315402658, ClinGen allele CA375631189.